The following is an entry in ClinVar:

ClinVar aggregate classification (germline): Uncertain significance (1 of 4 stars; one submission).

Submission:

Labcorp Genetics (formerly Invitae), Labcorp
Classification: Uncertain significance. Last evaluated: 2025-05-02. Review status: criteria provided, single submitter. Criteria: Invitae Variant Classification Sherloc (09022015). Collection method: clinical testing. Allele origin: germline.
Comment: This sequence change replaces leucine, which is neutral and non-polar, with valine, which is neutral and non-polar, at codon 114 of the NFKB1 protein (p.Leu114Val). This variant is not present in population databases (gnomAD no frequency). This variant has not been reported in the literature in individuals affected with NFKB1-related conditions. Invitae Evidence Modeling of protein sequence and biophysical properties (such as structural, functional, and spatial information, amino acid conservation, physicochemical variation, residue mobility, and thermodynamic stability) indicates that this missense variant is expected to disrupt NFKB1 protein function with a positive predictive value of 80%. In summary, the available evidence is currently insufficient to determine the role of this variant in disease. Therefore, it has been classified as a Variant of Uncertain Significance.

NM_003998.4(NFKB1):c.340C>G (p.Leu114Val)

Gene: NFKB1 (nuclear factor kappa B subunit 1; plus strand). Cytogenetic location: 4q24.
Variant type: single nucleotide variant.
Coding change: c.340C>G on transcript NM_003998.4 (MANE Select); coding-DNA position 340, C replaced by G.
Protein change: p.Leu114Val; replaces leucine 114 with valine.
Molecular consequence: missense variant.
Genome position (GRCh38, 1-based): chr4:102,567,068, C>G. VCF-style: chr4-102567068-C-G. GRCh37 (hg19) VCF-style: chr4-103488225-C-G.
Other names: c.337C>G, p.Leu113Val (NM_001165412.2, NM_001319226.2, NM_001382627.1); c.340C>G, p.Leu114Val (NM_001382625.1, NM_001382626.1); c.298C>G, p.Leu100Val (NM_001382628.1); short protein forms L114V, L113V, L100V.
Identifiers: ClinVar variation 4714832 (VCV004714832.1).